The following is an entry in ClinVar:

ClinVar aggregate classification (germline): Uncertain significance (1 of 4 stars; one submission).

Conditions:
Amyotrophic lateral sclerosis type 15. Also called: AMYOTROPHIC LATERAL SCLEROSIS 15 WITH FRONTOTEMPORAL DEMENTIA. Identifiers: Orphanet 803, MedGen C3275459, MONDO:0010459, OMIM 300857.

Allele frequency attached by ClinVar (database versions not stated): gnomAD exomes below 0.00001.

Submission:

Labcorp Genetics (formerly Invitae), Labcorp
Classification: Uncertain significance for Amyotrophic lateral sclerosis type 15. Last evaluated: 2024-06-04. Review status: criteria provided, single submitter. Criteria: Invitae Variant Classification Sherloc (09022015). Collection method: clinical testing. Allele origin: germline.
Comment: This sequence change replaces threonine, which is neutral and polar, with isoleucine, which is neutral and non-polar, at codon 350 of the UBQLN2 protein (p.Thr350Ile). This variant is present in population databases (no rsID available, gnomAD 0.001%). This variant has not been reported in the literature in individuals affected with UBQLN2-related conditions. Advanced modeling of protein sequence and biophysical properties (such as structural, functional, and spatial information, amino acid conservation, physicochemical variation, residue mobility, and thermodynamic stability) performed at Invitae indicates that this missense variant is not expected to disrupt UBQLN2 protein function with a negative predictive value of 80%. In summary, the available evidence is currently insufficient to determine the role of this variant in disease. Therefore, it has been classified as a Variant of Uncertain Significance.

NM_013444.4(UBQLN2):c.1049C>T (p.Thr350Ile)

Gene: UBQLN2 (ubiquilin 2; plus strand). Cytogenetic location: Xp11.21.
Variant type: single nucleotide variant.
Coding change: c.1049C>T on transcript NM_013444.4 (MANE Select); coding-DNA position 1049, C replaced by T.
Protein change: p.Thr350Ile; replaces threonine 350 with isoleucine.
Molecular consequence: missense variant.
Genome position (GRCh38, 1-based): chrX:56,564,922, C>T. VCF-style: chrX-56564922-C-T. GRCh37 (hg19) VCF-style: chrX-56591355-C-T.
Other names: short protein forms T350I.
Identifiers: ClinVar variation 2896070 (VCV002896070.3), dbSNP rs1490159513, ClinGen allele CA413379716.